The following is an entry in ClinVar:

ClinVar aggregate classification (germline): Uncertain significance (1 of 4 stars; one submission).

Conditions:
Primary ciliary dyskinesia. Also called: Ciliary dyskinesia. Identifiers: Orphanet 244, MedGen C0008780, MONDO:0016575, HP:0012265.

Submission:

Labcorp Genetics (formerly Invitae), Labcorp
Classification: Uncertain significance for Primary ciliary dyskinesia. Last evaluated: 2025-06-29. Review status: criteria provided, single submitter. Criteria: Invitae Variant Classification Sherloc (09022015). Collection method: clinical testing. Allele origin: germline.
Comment: This sequence change falls in intron 27 of the DNAH8 gene. It does not directly change the encoded amino acid sequence of the DNAH8 protein. It affects a nucleotide within the consensus splice site. This variant is not present in population databases (gnomAD no frequency). This variant has not been reported in the literature in individuals affected with DNAH8-related conditions. Variants that disrupt the consensus splice site are a relatively common cause of aberrant splicing (PMID: 17576681, 9536098). Algorithms developed to predict the effect of sequence changes on RNA splicing suggest that this variant is not likely to affect RNA splicing. In summary, the available evidence is currently insufficient to determine the role of this variant in disease. Therefore, it has been classified as a Variant of Uncertain Significance.

Literature cited by the submitters: PubMed 17576681; PubMed 9536098.

NM_001206927.2(DNAH8):c.3721-3C>T

Gene: DNAH8 (dynein axonemal heavy chain 8; plus strand). Cytogenetic location: 6p21.2.
Variant type: single nucleotide variant.
Coding change: c.3721-3C>T on transcript NM_001206927.2 (MANE Select); 3 bases into the intron before coding-DNA position 3721, C replaced by T.
Molecular consequence: intron variant.
Genome position (GRCh38, 1-based): chr6:38,823,559, C>T. VCF-style: chr6-38823559-C-T. GRCh37 (hg19) VCF-style: chr6-38791335-C-T.
Other names: c.3070-3C>T (NM_001371.4).
Identifiers: ClinVar variation 4721959 (VCV004721959.1).